The following is an entry in ClinVar:

ClinVar aggregate classification (germline): Likely benign (1 of 4 stars; one submission).

Conditions:
VIPAS39-related disorder. Also called: VIPAS39-related condition.

Submission:

PreventionGenetics, part of Exact Sciences
Classification: Likely benign for VIPAS39-related condition. Last evaluated: 2024-12-12. Review status: criteria provided, single submitter. Criteria: ACMG Guidelines, 2015. Collection method: clinical testing. Allele origin: germline.
Comment: This variant is classified as likely benign based on ACMG/AMP sequence variant interpretation guidelines (Richards et al. 2015 PMID: 25741868, with internal and published modifications).

NM_001193315.2(VIPAS39):c.197-9A>G

Gene: VIPAS39 (VPS33B interacting protein, apical-basolateral polarity regulator, spe-39 homolog; minus strand). Cytogenetic location: 14q24.3.
Variant type: single nucleotide variant.
Coding change: c.197-9A>G on transcript NM_001193315.2 (MANE Select); 9 bases into the intron before coding-DNA position 197, A replaced by G.
Molecular consequence: intron variant.
Genome position (GRCh38, 1-based): chr14:77,451,342, T>C on the plus strand (A>G on the coding strand, the complement: VIPAS39 is on the minus strand). VCF-style: chr14-77451342-T-C. GRCh37 (hg19) VCF-style: chr14-77917685-T-C.
Other names: c.197-1590A>G (NM_001400337.1, NM_001193316.2, NM_001400324.1 and 1 more transcripts); c.197-9A>G (NM_001400333.1, NM_001400327.1, NM_001400338.1 and 11 more transcripts).
Identifiers: ClinVar variation 4986469 (VCV004986469.1).